The following is an entry in ClinVar:

NM_015355.4(SUZ12):c.456-3T>A

Gene: SUZ12 (SUZ12 polycomb repressive complex 2 subunit; plus strand). Cytogenetic location: 17q11.2.
Variant type: single nucleotide variant.
Coding change: c.456-3T>A on transcript NM_015355.4 (MANE Select); 3 bases into the intron before coding-DNA position 456, T replaced by A.
Molecular consequence: intron variant.
Genome position (GRCh38, 1-based): chr17:31,966,144, T>A. VCF-style: chr17-31966144-T-A. GRCh37 (hg19) VCF-style: chr17-30293163-T-A.
Other names: c.387-3T>A (NM_001321207.2).
Identifiers: ClinVar variation 2647649 (VCV002647649.24), dbSNP rs74676743, ClinGen allele CA8489552.

ClinVar aggregate classification (germline): Likely benign (1 of 4 stars; one submission).

Allele frequency attached by ClinVar (database versions not stated): gnomAD exomes 0.00017; ExAC 0.00055; gnomAD 0.00184; TOPMed 0.00227; 1000 Genomes Project 30x 0.00281.
gnomAD v4.1: 525 of 1,588,508 alleles (0.033%); highest among the groups gnomAD compares: African/African-American, 0.66%; 2 homozygotes.

Submission:

CeGaT Center for Human Genetics Tuebingen
Classification: Likely benign. Last evaluated: 2023-01-01. Review status: criteria provided, single submitter. Criteria: CeGaT Center For Human Genetics Tuebingen Variant Classification Criteria Version 2. Collection method: clinical testing. Allele origin: germline. Affected: yes. Observed: 1 variant allele.
Comment: SUZ12: BP4, BS2